The following is an entry in ClinVar:

ClinVar aggregate classification (germline): Likely benign (1 of 4 stars; one submission).

Submission:

CeGaT Center for Human Genetics Tuebingen
Classification: Likely benign. Last evaluated: 2025-08-01. Review status: criteria provided, single submitter. Criteria: CeGaT Center For Human Genetics Tuebingen Variant Classification Criteria Version 2. Collection method: clinical testing. Allele origin: germline. Affected: yes. Observed: 1 variant allele.
Comment: APC: PM2:Supporting, BP4, BP7

NM_000038.6(APC):c.4089A>G (p.Lys1363=)

Gene: APC (APC regulator of Wnt signaling pathway; plus strand). Cytogenetic location: 5q22.2.
Variant type: single nucleotide variant.
Coding change: c.4089A>G on transcript NM_000038.6 (MANE Select); coding-DNA position 4089, A replaced by G.
Protein change: p.Lys1363=; no amino-acid change (lysine 1363 retained).
Molecular consequence: synonymous variant. On other transcripts: non-coding transcript variant (2).
Genome position (GRCh38, 1-based): chr5:112,839,683, A>G. VCF-style: chr5-112839683-A-G. GRCh37 (hg19) VCF-style: chr5-112175380-A-G.
Other names: c.4089A>G, p.Lys1363= (NM_001127510.3, NM_001354895.2, NM_001407450.1); c.4035A>G, p.Lys1345= (NM_001127511.3); c.4143A>G, p.Lys1381= (NM_001354896.2, NM_001407447.1, NM_001407448.1 and 1 more transcripts); c.4119A>G, p.Lys1373= (NM_001354897.2); c.4014A>G, p.Lys1338= (NM_001354898.2); c.4005A>G, p.Lys1335= (NM_001354899.2); c.3966A>G, p.Lys1322= (NM_001354900.2); c.3912A>G, p.Lys1304= (NM_001354901.2, NM_001407453.1); and 11 more.
Identifiers: ClinVar variation 4084252 (VCV004084252.8).